The following is an entry in ClinVar:

NM_001164508.2(NEB):c.18080A>G (p.Tyr6027Cys)

Gene: NEB (nebulin; minus strand). Cytogenetic location: 2q23.3.
Variant type: single nucleotide variant.
Coding change: c.18080A>G on transcript NM_001164508.2 (MANE Select); coding-DNA position 18080, A replaced by G.
Protein change: p.Tyr6027Cys; replaces tyrosine 6027 with cysteine.
Molecular consequence: missense variant.
Genome position (GRCh38, 1-based): chr2:151,567,244, T>C on the plus strand (A>G on the coding strand, the complement: NEB is on the minus strand). VCF-style: chr2-151567244-T-C. GRCh37 (hg19) VCF-style: chr2-152423758-T-C.
Other names: c.18080A>G, p.Tyr6027Cys (NM_001164507.2, NM_001271208.2); c.12977A>G, p.Tyr4326Cys (NM_004543.5); short protein forms Y4326C, Y6027C.
Identifiers: ClinVar variation 2119794 (VCV002119794.4), dbSNP rs2552193716, ClinGen allele CA348803103.

ClinVar aggregate classification (germline): Uncertain significance (1 of 4 stars; one submission).

Conditions:
Nemaline myopathy 2 (NEM2). Also called: Nemaline myopathy 2, autosomal recessive. Identifiers: MedGen C1850569, MONDO:0009725, OMIM 256030.

Submission:

Labcorp Genetics (formerly Invitae), Labcorp
Classification: Uncertain significance for Nemaline myopathy 2. Last evaluated: 2023-07-07. Review status: criteria provided, single submitter. Criteria: Invitae Variant Classification Sherloc (09022015). Collection method: clinical testing. Allele origin: germline.
Comment: This sequence change replaces tyrosine, which is neutral and polar, with cysteine, which is neutral and slightly polar, at codon 6027 of the NEB protein (p.Tyr6027Cys). In summary, the available evidence is currently insufficient to determine the role of this variant in disease. Therefore, it has been classified as a Variant of Uncertain Significance. Experimental studies and prediction algorithms are not available or were not evaluated, and the functional significance of this variant is currently unknown. ClinVar contains an entry for this variant (Variation ID: 2119794). This variant has not been reported in the literature in individuals affected with NEB-related conditions. This variant is not present in population databases (gnomAD no frequency).